The following is an entry in ClinVar:

ClinVar aggregate classification (germline): Pathogenic (1 of 4 stars; one submission).

Conditions:
Ehlers-Danlos syndrome, classic type, 1 (EDSCL1). Also called: EHLERS-DANLOS SYNDROME, GRAVIS TYPE; EHLERS-DANLOS SYNDROME, SEVERE CLASSIC TYPE; Ehlers-Danlos syndrome, type 1; Ehlers-Danlos Syndrome, Classic Type, COL5A1-Related; EDS I. Identifiers: MedGen C0268335, MONDO:0019567, OMIM 130000.

Submission:

Labcorp Genetics (formerly Invitae), Labcorp
Classification: Pathogenic for Ehlers-Danlos syndrome, classic type, 1. Last evaluated: 2023-08-28. Review status: criteria provided, single submitter. Criteria: Invitae Variant Classification Sherloc (09022015). Collection method: clinical testing. Allele origin: germline.
Comment: For these reasons, this variant has been classified as Pathogenic. This variant has not been reported in the literature in individuals affected with COL5A1-related conditions. This variant is not present in population databases (gnomAD no frequency). This sequence change creates a premature translational stop signal (p.Tyr1747*) in the COL5A1 gene. It is expected to result in an absent or disrupted protein product. Loss-of-function variants in COL5A1 are known to be pathogenic (PMID: 23587214).

Literature cited by the submitters: PubMed 23587214.

NM_000093.5(COL5A1):c.5241C>G (p.Tyr1747Ter)

Genes: COL5A1 (collagen type V alpha 1 chain; plus strand), LOC101448202 (uncharacterized LOC101448202; minus strand). Cytogenetic location: 9q34.3.
Variant type: single nucleotide variant.
Coding change: c.5241C>G on transcript NM_000093.5 (MANE Select); coding-DNA position 5241, C replaced by G.
Protein change: p.Tyr1747Ter; replaces tyrosine 1747 with a stop codon.
Molecular consequence: nonsense.
Genome position (GRCh38, 1-based): chr9:134,835,075, C>G. VCF-style: chr9-134835075-C-G. GRCh37 (hg19) VCF-style: chr9-137726921-C-G.
Other names: c.5241C>G, p.Tyr1747Ter (NM_001278074.1); short protein forms Y1747*.
Identifiers: ClinVar variation 2755211 (VCV002755211.3), dbSNP rs2490930223, ClinGen allele CA375460540.